The following is an entry in ClinVar:

ClinVar aggregate classification (germline): Uncertain significance (1 of 4 stars; one submission).

Allele frequency attached by ClinVar (database versions not stated): gnomAD exomes below 0.00001.
gnomAD v4.1: 2 of 1,614,044 alleles (0.00012%); highest among the groups gnomAD compares: Non-Finnish European, 0.000085%; no homozygotes.

Submission:

Labcorp Genetics (formerly Invitae), Labcorp
Classification: Uncertain significance. Last evaluated: 2021-11-05. Review status: criteria provided, single submitter. Criteria: Invitae Variant Classification Sherloc (09022015). Collection method: clinical testing. Allele origin: germline.
Comment: This variant is not present in population databases (gnomAD no frequency). This sequence change replaces proline, which is neutral and non-polar, with leucine, which is neutral and non-polar, at codon 631 of the RUSC2 protein (p.Pro631Leu). This variant has not been reported in the literature in individuals affected with RUSC2-related conditions. Algorithms developed to predict the effect of missense changes on protein structure and function output the following: SIFT: "Tolerated"; PolyPhen-2: "Benign"; Align-GVGD: "Class C0". The leucine amino acid residue is found in multiple mammalian species, which suggests that this missense change does not adversely affect protein function. In summary, the available evidence is currently insufficient to determine the role of this variant in disease. Therefore, it has been classified as a Variant of Uncertain Significance.

NM_014806.5(RUSC2):c.1892C>T (p.Pro631Leu)

Gene: RUSC2 (RUN and SH3 domain containing 2; plus strand). Cytogenetic location: 9p13.3.
Variant type: single nucleotide variant.
Coding change: c.1892C>T on transcript NM_014806.5 (MANE Select); coding-DNA position 1892, C replaced by T.
Protein change: p.Pro631Leu; replaces proline 631 with leucine.
Molecular consequence: missense variant. On other transcripts: intron variant (1).
Genome position (GRCh38, 1-based): chr9:35,548,413, C>T. VCF-style: chr9-35548413-C-T. GRCh37 (hg19) VCF-style: chr9-35548410-C-T.
Other names: c.1892C>T, p.Pro631Leu (NM_001135999.2); c.-620-6647C>T (NM_001330740.2); short protein forms P631L.
Identifiers: ClinVar variation 1483459 (VCV001483459.6), dbSNP rs2132555312, ClinGen allele CA373336601.
Genomic context (GRCh38, chr9:35,548,413, plus strand): 5'-CAGACCCAAGTCCACCCTGGTCCACCCAGGTCTGTCAGGGACCCCACTCCAGTGAGATGC[C>T]TCCTGCTGGCCTCAGAGCTACTGGGCAAGGCCCCCTGGCTCAGCTGATGGATCCAGGGCC-3'
Protein context (NP_055621.2, residues 621-641): VCQGPHSSEM[Pro631Leu]PAGLRATGQG